The following is an entry in ClinVar:

NM_139076.3(ABRAXAS1):c.329T>C (p.Met110Thr)

Gene: ABRAXAS1 (abraxas 1, BRCA1 A complex subunit; minus strand). Cytogenetic location: 4q21.23.
Variant type: single nucleotide variant.
Coding change: c.329T>C on transcript NM_139076.3 (MANE Select); coding-DNA position 329, T replaced by C.
Protein change: p.Met110Thr; replaces methionine 110 with threonine.
Molecular consequence: missense variant. On other transcripts: initiator codon variant (1).
Genome position (GRCh38, 1-based): chr4:83,470,350, A>G on the plus strand (T>C on the coding strand, the complement: ABRAXAS1 is on the minus strand). VCF-style: chr4-83470350-A-G. GRCh37 (hg19) VCF-style: chr4-84391503-A-G.
Other names: c.2T>C, p.Met1Thr (NM_001345962.2); short protein forms M110T, M1T.
Identifiers: ClinVar variation 4864272 (VCV004864272.1).
Genomic context (GRCh38, chr4:83,470,350, plus strand): 5'-AGGTCTTGGTTTGAAAAATGCTCCTGCAAGTTTTTGTGAAGCAGCCTCTCTCTAAACGTC[A>G]TGATCTGATCTGAATGACGACGGAATTTGTACCAACCTACCACATTCTGAAATACAGAAT-3'
Protein context (NP_620775.2, residues 100-120): YKFRRHSDQI[Met110Thr]TFRERLLHKN

ClinVar aggregate classification (germline): Uncertain significance (1 of 4 stars; one submission).

Submission:

Ambry Genetics
Classification: Uncertain significance. Last evaluated: 2026-03-30. Review status: criteria provided, single submitter. Criteria: Ambry Variant Classification Scheme 2023. Collection method: clinical testing. Allele origin: germline.
Comment: The p.M110T variant (also known as c.329T>C), located in coding exon 5 of the FAM175A gene, results from a T to C substitution at nucleotide position 329. The methionine at codon 110 is replaced by threonine, an amino acid with similar properties. This amino acid position is conserved. In addition, this alteration is predicted to be deleterious by in silico analysis. Based on the available evidence, the clinical significance of this variant remains unclear.